The following is an entry in ClinVar:

NM_002907.4(RECQL):c.128C>G (p.Thr43Arg)

Gene: RECQL (RecQ like helicase; minus strand). Cytogenetic location: 12p12.1.
Variant type: single nucleotide variant.
Coding change: c.128C>G on transcript NM_002907.4 (MANE Select); coding-DNA position 128, C replaced by G.
Protein change: p.Thr43Arg; replaces threonine 43 with arginine.
Molecular consequence: missense variant.
Genome position (GRCh38, 1-based): chr12:21,491,605, G>C on the plus strand (C>G on the coding strand, the complement: RECQL is on the minus strand). VCF-style: chr12-21491605-G-C. GRCh37 (hg19) VCF-style: chr12-21644539-G-C.
Other names: c.128C>G, p.Thr43Arg (NM_032941.3); short protein forms T43R.
Identifiers: ClinVar variation 3431800 (VCV003431800.1).
Genomic context (GRCh38, chr12:21,491,605, plus strand): 5'-GAATCATATTCATTGCTTGCCCCGGCATCAGAATCCTCTAAACACTGCTTTATTTTCTTT[G>C]TCAGGACTTTTTTTTTCTGAATAAGCTCTTGTTGCCTTTCCGTAAGTTCTTGAATTTGAA-3'
Protein context (NP_002898.2, residues 33-53): QELIQKKKVL[Thr43Arg]KKIKQCLEDS

ClinVar aggregate classification (germline): Uncertain significance (1 of 4 stars; one submission).

gnomAD v4.1: 1 of 1,611,260 alleles (0.000062%); highest among the groups gnomAD compares: Admixed American, 0.0017%; no homozygotes.

Submission:

Ambry Genetics
Classification: Uncertain significance. Last evaluated: 2024-09-30. Review status: criteria provided, single submitter. Criteria: Ambry Variant Classification Scheme 2023. Collection method: clinical testing. Allele origin: germline.
Comment: The p.T43R variant (also known as c.128C>G), located in coding exon 2 of the RECQL gene, results from a C to G substitution at nucleotide position 128. The threonine at codon 43 is replaced by arginine, an amino acid with similar properties. This amino acid position is conserved. In addition, the in silico prediction for this alteration is inconclusive. Based on the available evidence, the clinical significance of this variant remains unclear.